The following is an entry in ClinVar:

ClinVar aggregate classification (germline): Likely pathogenic (1 of 4 stars; one submission).

Conditions:
Cardiovascular phenotype. Identifiers: MedGen CN230736.

Submission:

Ambry Genetics
Classification: Likely pathogenic for Cardiovascular phenotype. Last evaluated: 2020-08-06. Review status: criteria provided, single submitter. Criteria: Ambry Variant Classification Scheme 2023. Collection method: clinical testing. Allele origin: germline.
Comment: The c.30962dupC variant, located in coding exon 124 of the TTN gene, results from a duplication of C at nucleotide position 30962, causing a translational frameshift with a predicted alternate stop codon (p.T10322Nfs*9). This exon is located in the A-band region of the N2-B isoform of the titin protein and is constitutively expressed in TTN transcripts (percent spliced in or PSI 100%). This alteration is expected to result in loss of function by premature protein truncation or nonsense-mediated mRNA decay. While truncating variants in TTN are present in 1-3% of the general population, truncating variants in the A-band are the most common cause of dilated cardiomyopathy (DCM) (Herman DS et al. N. Engl. J. Med., 2012 Feb;366:619-28; Roberts AM et al. Sci Transl Med, 2015 Jan;7:270ra6). TTN truncating variants encoded in constitutive exons (PSI >90%) have been found to be significantly associated with DCM regardless of their position in titin (Schafer S et al. Nat. Genet., 2017 01;49:46-53). As such, this alteration is classified as likely pathogenic.

NM_001267550.2(TTN):c.58157dup (p.Thr19387fs)

Genes: TTN (titin; minus strand), TTN-AS1 (TTN antisense RNA 1; plus strand). Cytogenetic location: 2q31.2.
Variant type: Duplication.
Coding change: c.58157dup on transcript NM_001267550.2 (MANE Select); coding-DNA position 58157, one base duplicated (C; older notation c.58157dupC).
Protein change: p.Thr19387fs; shifts the reading frame from threonine 19387.
Molecular consequence: frameshift variant.
Genome position (GRCh38, 1-based): chr2:178,594,236, G duplicated on the plus strand (C on the coding strand, the reverse complement: TTN is on the minus strand); the first of 5 consecutive G bases (chr2:178,594,236-178,594,240); duplicating any one gives the same sequence. VCF-style (leftmost placement, unchanged base first): chr2-178594235-T-TG. GRCh37 (hg19) VCF-style: chr2-179458962-T-TG.
Other names: c.53234dup, p.Thr17746fs (NM_001256850.1); c.30962dup, p.Thr10322fs (NM_003319.4); c.50453dup, p.Thr16819fs (NM_133378.4); c.31337dup, p.Thr10447fs (NM_133432.3); c.31538dup, p.Thr10514fs (NM_133437.4); c.30962dupC (NM_003319.4); short protein forms T19387fs, T10322fs, T10447fs, T17746fs, T10514fs, T16819fs.
Identifiers: ClinVar variation 1727506 (VCV001727506.2), dbSNP rs1559622431, ClinGen allele CA2580064699.